The following is an entry in ClinVar:

NM_004371.4(COPA):c.1838A>C (p.His613Pro)

Gene: COPA (coat protein complex I subunit alpha; minus strand). Cytogenetic location: 1q23.2.
Variant type: single nucleotide variant.
Coding change: c.1838A>C on transcript NM_004371.4 (MANE Select); coding-DNA position 1838, A replaced by C.
Protein change: p.His613Pro; replaces histidine 613 with proline.
Molecular consequence: missense variant.
Genome position (GRCh38, 1-based): chr1:160,298,984, T>G on the plus strand (A>C on the coding strand, the complement: COPA is on the minus strand). VCF-style: chr1-160298984-T-G. GRCh37 (hg19) VCF-style: chr1-160268774-T-G.
Other names: c.1865A>C, p.His622Pro (NM_001098398.2); short protein forms H622P, H613P.
Identifiers: ClinVar variation 4768814 (VCV004768814.1).

ClinVar aggregate classification (germline): Uncertain significance (1 of 4 stars; one submission).

Conditions:
Autoimmune interstitial lung disease-arthritis syndrome. Also called: Autoinflammation and autoimmunity, systemic, with immune dysregulation. Identifiers: Orphanet 444092, MedGen C5975714, MONDO:0014629.

Submission:

Labcorp Genetics (formerly Invitae), Labcorp
Classification: Uncertain significance for Autoimmune interstitial lung disease-arthritis syndrome. Last evaluated: 2025-10-27. Review status: criteria provided, single submitter. Criteria: Invitae Variant Classification Sherloc (09022015). Collection method: clinical testing. Allele origin: germline.
Comment: This sequence change replaces histidine, which is basic and polar, with proline, which is neutral and non-polar, at codon 613 of the COPA protein (p.His613Pro). This variant is not present in population databases (gnomAD no frequency). This variant has not been reported in the literature in individuals affected with COPA-related conditions. Invitae Evidence Modeling of protein sequence and biophysical properties (such as structural, functional, and spatial information, amino acid conservation, physicochemical variation, residue mobility, and thermodynamic stability) indicates that this missense variant is expected to disrupt COPA protein function with a positive predictive value of 80%. In summary, the available evidence is currently insufficient to determine the role of this variant in disease. Therefore, it has been classified as a Variant of Uncertain Significance.